The following is an entry in ClinVar:

NM_003982.4(SLC7A7):c.548T>C (p.Val183Ala)

Gene: SLC7A7 (solute carrier family 7 member 7; minus strand). Cytogenetic location: 14q11.2.
Variant type: single nucleotide variant.
Coding change: c.548T>C on transcript NM_003982.4 (MANE Select); coding-DNA position 548, T replaced by C.
Protein change: p.Val183Ala; replaces valine 183 with alanine.
Molecular consequence: missense variant.
Genome position (GRCh38, 1-based): chr14:22,780,003, A>G on the plus strand (T>C on the coding strand, the complement: SLC7A7 is on the minus strand). VCF-style: chr14-22780003-A-G. GRCh37 (hg19) VCF-style: chr14-23249212-A-G.
Other names: c.548T>C (NM_001126106.2); c.548T>C, p.Val183Ala (NM_001126105.3, NM_001126106.4); short protein forms V183A.
Identifiers: ClinVar variation 1406076 (VCV001406076.8), dbSNP rs771965858, ClinGen allele CA7104671.

ClinVar aggregate classification (germline): Uncertain significance. Review status: criteria provided, multiple submitters, no conflicts (2 of 4 stars). 2 submissions from 2 submitters: Uncertain significance (2). Last evaluated 2026-01-14.

Conditions:
Inborn genetic diseases. Identifiers: MedGen C0950123, MeSH D030342.
Lysinuric protein intolerance (LPI). Identifiers: Orphanet 470, MedGen C0268647, MONDO:0009109, OMIM 222700.

Allele frequency attached by ClinVar (database versions not stated): gnomAD 0.00001; gnomAD exomes 0.00001 and 0.00002; ExAC 0.00002; TOPMed 0.00002.
gnomAD v4.1: 11 of 1,614,004 alleles (0.00068%); highest among the groups gnomAD compares: Middle Eastern, 0.016%; no homozygotes.

Submissions (2):

Labcorp Genetics (formerly Invitae), Labcorp
Classification: Uncertain significance for Lysinuric protein intolerance. Last evaluated: 2026-01-14. Review status: criteria provided, single submitter. Criteria: Invitae Variant Classification Sherloc (09022015). Collection method: clinical testing. Allele origin: germline.
Comment: This sequence change replaces valine, which is neutral and non-polar, with alanine, which is neutral and non-polar, at codon 183 of the SLC7A7 protein (p.Val183Ala). This variant is present in population databases (rs771965858, gnomAD 0.01%). This variant has not been reported in the literature in individuals affected with SLC7A7-related conditions. ClinVar contains an entry for this variant (Variation ID: 1406076). An algorithm developed to predict the effect of missense changes on protein structure and function (PolyPhen-2) suggests that this variant is likely to be disruptive. In summary, the available evidence is currently insufficient to determine the role of this variant in disease. Therefore, it has been classified as a Variant of Uncertain Significance.

Ambry Genetics
Classification: Uncertain significance for Inborn genetic diseases. Last evaluated: 2025-08-04. Review status: criteria provided, single submitter. Criteria: Ambry Variant Classification Scheme 2023. Collection method: clinical testing. Allele origin: germline.